The following is an entry in ClinVar:

NM_000245.4(MET):c.1639C>T (p.Arg547Ter)

Gene: MET (MET proto-oncogene, receptor tyrosine kinase; plus strand). Cytogenetic location: 7q31.2.
Variant type: single nucleotide variant.
Coding change: c.1639C>T on transcript NM_000245.4 (MANE Select); coding-DNA position 1639, C replaced by T.
Protein change: p.Arg547Ter; replaces arginine 547 with a stop codon.
Molecular consequence: nonsense.
Genome position (GRCh38, 1-based): chr7:116,740,963, C>T. VCF-style: chr7-116740963-C-T. GRCh37 (hg19) VCF-style: chr7-116381017-C-T.
Other names: c.1639C>T (NM_001127500.1); c.1639C>T, p.Arg547Ter (NM_001127500.3, NM_001324401.3); c.349C>T, p.Arg117Ter (NM_001324402.2); short protein forms R547*, R117*.
Identifiers: ClinVar variation 1039828 (VCV001039828.7), dbSNP rs1047795344, ClinGen allele CA368975613.

ClinVar aggregate classification (germline): Uncertain significance. Review status: criteria provided, multiple submitters, no conflicts (2 of 4 stars). 2 submissions from 2 submitters: Uncertain significance (2). Last evaluated 2024-01-17.

Conditions:
Renal cell carcinoma. Identifiers: Orphanet 217071, MedGen C0007134, MeSH D002292, MONDO:0005086, HP:0005584.
Hereditary cancer-predisposing syndrome. Also called: Neoplastic Syndromes, Hereditary; Hereditary Cancer Syndrome; Tumor predisposition; Hereditary neoplastic syndrome. Identifiers: Orphanet 140162, MedGen C0027672, MeSH D009386, MONDO:0015356.

gnomAD v4.1: 2 of 1,613,908 alleles (0.00012%); highest among the groups gnomAD compares: Non-Finnish European, 0.00017%; no homozygotes.

Submissions (2):

Ambry Genetics
Classification: Uncertain significance for Hereditary cancer-predisposing syndrome. Last evaluated: 2024-01-17. Review status: criteria provided, single submitter. Criteria: Ambry Variant Classification Scheme 2023. Collection method: clinical testing. Allele origin: germline.
Comment: The p.R547* variant (also known as c.1639C>T), located in coding exon 4 of the MET gene, results from a C to T substitution at nucleotide position 1639. This changes the amino acid from an arginine to a stop codon within coding exon 4. This alteration is expected to result in protein truncation or nonsense-mediated mRNA decay. However, loss of function of MET has not been established as a mechanism of disease. Since supporting evidence is limited at this time, the clinical significance of this alteration remains unclear.

Labcorp Genetics (formerly Invitae), Labcorp
Classification: Uncertain significance for Renal cell carcinoma. Last evaluated: 2023-01-26. Review status: criteria provided, single submitter. Criteria: Invitae Variant Classification Sherloc (09022015). Collection method: clinical testing. Allele origin: germline.
Comment: ClinVar contains an entry for this variant (Variation ID: 1039828). In summary, the available evidence is currently insufficient to determine the role of this variant in disease. Therefore, it has been classified as a Variant of Uncertain Significance. This variant has not been reported in the literature in individuals affected with MET-related conditions. This variant is not present in population databases (gnomAD no frequency). This sequence change creates a premature translational stop signal (p.Arg547*) in the MET gene. It is expected to result in an absent or disrupted protein product. However, the current clinical and genetic evidence is not sufficient to establish whether loss-of-function variants in MET cause disease.